The following is an entry in ClinVar:

ClinVar aggregate classification (germline): Uncertain significance. Review status: criteria provided, multiple submitters, no conflicts (2 of 4 stars). 3 submissions from 3 submitters: Uncertain significance (2). 1 of the submissions does not count toward it. Last evaluated 2025-07-14.

Conditions:
Ataxia-telangiectasia syndrome (AT). Also called: LOUIS-BAR SYNDROME; Cerebello-oculocutaneous telangiectasia; Immunodeficiency with ataxia telangiectasia; Ataxia telangiectasia (A-T); Ataxia-telangiectasia, complementation group D; AT, COMPLEMENTATION GROUP C. Identifiers: Orphanet 100, MedGen C0004135, MONDO:0008840, OMIM 208900.
Hereditary cancer-predisposing syndrome. Also called: Neoplastic Syndromes, Hereditary; Tumor predisposition; Hereditary Cancer Syndrome; Hereditary neoplastic syndrome. Identifiers: Orphanet 140162, MedGen C0027672, MeSH D009386, MONDO:0015356.

Submissions (3):

Color Diagnostics, LLC DBA Color Health
Classification: Uncertain significance for Hereditary cancer-predisposing syndrome. Last evaluated: 2025-07-14. Review status: criteria provided, single submitter. Criteria: ACMG Guidelines, 2015. Collection method: clinical testing. Allele origin: germline.
Comment: This missense variant replaces threonine with alanine at codon 2902 of the ATM protein. Computational prediction is inconclusive regarding the impact of this variant on protein structure and function. To our knowledge, functional studies have not been reported for this variant. This variant has not been reported in individuals affected with ATM-related disorders in the literature. This variant has not been identified in the general population by the Genome Aggregation Database (gnomAD). The available evidence is insufficient to determine the role of this variant in disease conclusively. Therefore, this variant is classified as a Variant of Uncertain Significance.

Labcorp Genetics (formerly Invitae), Labcorp
Classification: Uncertain significance for Ataxia-telangiectasia syndrome. Last evaluated: 2021-09-14. Review status: criteria provided, single submitter. Criteria: Invitae Variant Classification Sherloc (09022015). Collection method: clinical testing. Allele origin: germline.
Comment: This sequence change replaces threonine with alanine at codon 2902 of the ATM protein (p.Thr2902Ala). The threonine residue is highly conserved and there is a small physicochemical difference between threonine and alanine. This variant is not present in population databases (ExAC no frequency). This variant has not been reported in the literature in individuals affected with ATM-related conditions. Advanced modeling of protein sequence and biophysical properties (such as structural, functional, and spatial information, amino acid conservation, physicochemical variation, residue mobility, and thermodynamic stability) performed at Invitae indicates that this missense variant is expected to disrupt ATM protein function. In summary, the available evidence is currently insufficient to determine the role of this variant in disease. Therefore, it has been classified as a Variant of Uncertain Significance.

Genetic Services Laboratory, University of Chicago
Classification: Uncertain significance. Last evaluated: 2022-08-26. Review status: no assertion criteria provided. Collection method: clinical testing. Allele origin: germline. Affected: no. Not counted in ClinVar's aggregate classification.
Comment: DNA sequence analysis of the ATM gene demonstrated a sequence change, c.8704A>G, in exon 60 that results in an amino acid change, p.Thr2902Ala. This sequence change does not appear to have been previously described in individuals with ATM-related disorders and has also not been described in the population databases such as ExAC and gnomAD. The p.Thr2902Ala change affects a highly conserved amino acid residue located in a domain of the ATM protein that is known to be functional. The p.Thr2902Ala substitution appears to be deleterious using several in-silico pathogenicity prediction tools (SIFT, Align GVGD, REVEL). Due to insufficient evidence and the lack of functional studies, the clinical significance of the p.Thr2902Ala change remains unknown at this time.

NM_000051.4(ATM):c.8704A>G (p.Thr2902Ala)

Genes: ATM (ATM serine/threonine kinase; plus strand), C11orf65 (chromosome 11 open reading frame 65; minus strand). Cytogenetic location: 11q22.3.
Variant type: single nucleotide variant.
Coding change: c.8704A>G on transcript NM_000051.4 (MANE Select); coding-DNA position 8704, A replaced by G.
Protein change: p.Thr2902Ala; replaces threonine 2902 with alanine.
Molecular consequence: missense variant. On other transcripts: intron variant (2).
Genome position (GRCh38, 1-based): chr11:108,353,798, A>G. VCF-style: chr11-108353798-A-G. GRCh37 (hg19) VCF-style: chr11-108224525-A-G.
Other names: c.8704A>G, p.Thr2902Ala (NM_001351834.2); c.640+32122T>C (NM_001330368.2); c.695-18506T>C (NM_001351110.2); short protein forms T2902A.
Identifiers: ClinVar variation 1474780 (VCV001474780.10), dbSNP rs2137288475, ClinGen allele CA382523716.